The following is an entry in ClinVar:

NM_000235.4(LIPA):c.428+2T>C

Gene: LIPA (lipase A, lysosomal acid type; minus strand). Cytogenetic location: 10q23.31.
Variant type: single nucleotide variant.
Coding change: c.428+2T>C on transcript NM_000235.4 (MANE Select); the canonical splice donor site of the intron after coding-DNA position 428, T replaced by C.
Molecular consequence: splice donor variant.
Genome position (GRCh38, 1-based): chr10:89,228,198, A>G on the plus strand (T>C on the coding strand, the complement: LIPA is on the minus strand). VCF-style: chr10-89228198-A-G. GRCh37 (hg19) VCF-style: chr10-90987955-A-G.
Other names: c.80+2T>C (NM_001288979.2); c.428+2T>C (NM_001127605.3).
Identifiers: ClinVar variation 2705768 (VCV002705768.3), dbSNP rs2495594978, ClinGen allele CA377517713.

ClinVar aggregate classification (germline): Likely pathogenic (1 of 4 stars; one submission).

Conditions:
Wolman disease (WOLD). Also called: Infantile-Onset LAL-D (Wolman Disease); LIPA DEFICIENCY, COMPLETE; LAL DEFICIENCY, COMPLETE; CHOLESTEROL ESTER HYDROLASE DEFICIENCY, COMPLETE; Acid cholesteryl ester hydrolase deficiency, Wolman type; Acid lipase disease. Identifiers: Orphanet 75233, MedGen C0043208, MONDO:0019148, OMIM 620151.

Submission:

Labcorp Genetics (formerly Invitae), Labcorp
Classification: Likely pathogenic for Wolman disease. Last evaluated: 2024-02-13. Review status: criteria provided, single submitter. Criteria: Invitae Variant Classification Sherloc (09022015). Collection method: clinical testing. Allele origin: germline.
Comment: This sequence change affects a donor splice site in intron 4 of the LIPA gene. It is expected to disrupt RNA splicing. Variants that disrupt the donor or acceptor splice site typically lead to a loss of protein function (PMID: 16199547), and loss-of-function variants in LIPA are known to be pathogenic (PMID: 23485521). This variant is not present in population databases (gnomAD no frequency). This variant has not been reported in the literature in individuals affected with LIPA-related conditions. Algorithms developed to predict the effect of sequence changes on RNA splicing suggest that this variant may disrupt the consensus splice site. In summary, the currently available evidence indicates that the variant is pathogenic, but additional data are needed to prove that conclusively. Therefore, this variant has been classified as Likely Pathogenic.

Literature cited by the submitters: PubMed 16199547; PubMed 23485521.